The following is an entry in ClinVar:

NM_020937.4(FANCM):c.2117C>T (p.Pro706Leu)

Gene: FANCM (FA complementation group M; plus strand). Cytogenetic location: 14q21.2.
Variant type: single nucleotide variant.
Coding change: c.2117C>T on transcript NM_020937.4 (MANE Select); coding-DNA position 2117, C replaced by T.
Protein change: p.Pro706Leu; replaces proline 706 with leucine.
Molecular consequence: missense variant.
Genome position (GRCh38, 1-based): chr14:45,170,703, C>T. VCF-style: chr14-45170703-C-T. GRCh37 (hg19) VCF-style: chr14-45639906-C-T.
Other names: c.2039C>T, p.Pro680Leu (NM_001308133.2); short protein forms P706L, P680L.
Identifiers: ClinVar variation 4254762 (VCV004254762.2).

ClinVar aggregate classification (germline): Uncertain significance (1 of 4 stars; one submission).

Conditions:
Inborn genetic diseases. Identifiers: MedGen C0950123, MeSH D030342.

Submission:

Ambry Genetics
Classification: Uncertain significance for Inborn genetic diseases. Last evaluated: 2025-11-23. Review status: criteria provided, single submitter. Criteria: Ambry Variant Classification Scheme 2023. Collection method: clinical testing. Allele origin: germline.
Comment: The p.P706L variant (also known as c.2117C>T), located in coding exon 12 of the FANCM gene, results from a C to T substitution at nucleotide position 2117. The proline at codon 706 is replaced by leucine, an amino acid with similar properties. This amino acid position is conserved. In addition, this alteration is predicted to be tolerated by in silico analysis. Based on the available evidence, the clinical significance of this variant remains unclear.